The following is an entry in ClinVar:

NM_001127511.3(APC):c.-117G>A

Gene: APC (APC regulator of Wnt signaling pathway; plus strand). Cytogenetic location: 5q22.2.
Variant type: single nucleotide variant.
Coding change: c.-117G>A on transcript NM_001127511.3; 117 bases upstream of the start codon, G replaced by A.
Molecular consequence: 5 prime UTR variant. On other transcripts: non-coding transcript variant (2).
Genome position (GRCh38, 1-based): chr5:112,707,601, G>A. VCF-style: chr5-112707601-G-A. GRCh37 (hg19) VCF-style: chr5-112043298-G-A.
Other names: c.-300G>A (NM_001354895.2, NM_001407447.1, NM_001407452.1 and 3 more transcripts); c.-117G>A (NM_001354897.2, NM_001354902.2, NM_001407446.1); c.-67G>A (NM_001407448.1, NM_001407450.1, NM_001407457.1 and 1 more transcripts); c.-91G>A (NM_001407453.1); c.-1335G>A (NM_001407470.1, NM_001407472.1).
Identifiers: ClinVar variation 2065249 (VCV002065249.4), dbSNP rs1001131435, ClinGen allele CA1573442518.

ClinVar aggregate classification (germline): Uncertain significance (1 of 4 stars; one submission).

Conditions:
Familial adenomatous polyposis 1 (FAP1). Also called: FAMILIAL ADENOMATOUS POLYPOSIS 1, ATTENUATED; POLYPOSIS, ADENOMATOUS INTESTINAL. Identifiers: MedGen C2713442, MONDO:0021056, OMIM 175100. Disease mechanism: loss of function.

Allele frequency attached by ClinVar (database versions not stated): gnomAD exomes below 0.00001.
gnomAD v4.1: 4 of 1,129,458 alleles (0.00035%); highest among the groups gnomAD compares: Non-Finnish European, 0.00048%; no homozygotes.

Submission:

Labcorp Genetics (formerly Invitae), Labcorp
Classification: Uncertain significance for Familial adenomatous polyposis 1. Last evaluated: 2022-07-21. Review status: criteria provided, single submitter. Criteria: Invitae Variant Classification Sherloc (09022015). Collection method: clinical testing. Allele origin: germline.
Comment: In summary, the available evidence is currently insufficient to determine the role of this variant in disease. Therefore, it has been classified as a Variant of Uncertain Significance. Experimental studies and prediction algorithms are not available or were not evaluated, and the functional significance of this variant is currently unknown. This variant has not been reported in the literature in individuals affected with APC-related conditions. This variant is not present in population databases (gnomAD no frequency). This variant occurs in a non-coding region of the APC gene. It does not change the encoded amino acid sequence of the APC protein.